The following is an entry in ClinVar:

ClinVar aggregate classification (germline): Uncertain significance (1 of 4 stars; one submission).

Conditions:
Congenital vertical talus. Also called: PES VALGUS, CONGENITAL CONVEX; Rocker-bottom foot deformity. Identifiers: Orphanet 178382, MedGen C0240912, MONDO:0008652, OMIM 192950, HP:0001838.

Submission:

Human Genetics Bochum, Ruhr University Bochum
Classification: Uncertain significance for Congenital vertical talus. Last evaluated: 2025-02-03. Review status: criteria provided, single submitter. Criteria: ACMG Guidelines, 2015. Collection method: clinical testing. Allele origin: germline. Affected: yes.
Comment: ACMG criteria used to clasify this variant: PVS1_SUP, PM2_SUP

NM_002148.4(HOXD10):c.721G>T (p.Glu241Ter)

Gene: HOXD10 (homeobox D10; plus strand). Cytogenetic location: 2q31.1.
Variant type: single nucleotide variant.
Coding change: c.721G>T on transcript NM_002148.4 (MANE Select); coding-DNA position 721, G replaced by T.
Protein change: p.Glu241Ter; replaces glutamic acid 241 with a stop codon.
Molecular consequence: nonsense.
Genome position (GRCh38, 1-based): chr2:176,117,554, G>T. VCF-style: chr2-176117554-G-T. GRCh37 (hg19) VCF-style: chr2-176982282-G-T.
Other names: short protein forms E241*.
Identifiers: ClinVar variation 4687889 (VCV004687889.1).